The following is an entry in ClinVar:

NM_021224.6(ZNF462):c.4828C>T (p.Gln1610Ter)

Gene: ZNF462 (zinc finger protein 462; plus strand). Cytogenetic location: 9q31.2.
Variant type: single nucleotide variant.
Coding change: c.4828C>T on transcript NM_021224.6 (MANE Select); coding-DNA position 4828, C replaced by T.
Protein change: p.Gln1610Ter; replaces glutamine 1610 with a stop codon.
Molecular consequence: nonsense. On other transcripts: intron variant (1).
Genome position (GRCh38, 1-based): chr9:106,928,740, C>T. VCF-style: chr9-106928740-C-T. GRCh37 (hg19) VCF-style: chr9-109691021-C-T.
Other names: c.3252+1576C>T (NM_001347997.2); short protein forms Q1610*.
Identifiers: ClinVar variation 3767982 (VCV003767982.1).

ClinVar aggregate classification (germline): Likely pathogenic (1 of 4 stars; one submission).

Conditions:
Weiss-Kruszka syndrome. Also called: Metopic ridging-ptosis-facial dysmorphism syndrome. Identifiers: Orphanet 502430, MedGen C5568107, MONDO:0032836, OMIM 618619.

Submission:

Diagnostics Services (NGS), CSIR - Centre For Cellular And Molecular Biology
Classification: Likely pathogenic for Weiss-Kruszka syndrome. Last evaluated: 2025-02-19. Review status: criteria provided, single submitter. Criteria: ACMG Guidelines, 2015. Collection method: clinical testing. Allele origin: unknown. Affected: yes. Observed: 1 variant allele, 1 heterozygote.
Comment: The c.4828C>T variant is not present in publicly available population databases like 1000 Genomes, EVS, gnomAD, Indian Exome Database or our internal database. This variant has neither been published in literature in individuals with ZNF462-related conditions nor reported to the clinical databases like Human Genome Mutation Database (HGMD), ClinVar or OMIM, in any affected individuals. In-silico pathogenicity prediction programs like MutationTaster2, CADD, Varsome, Franklin, InterVar etc predicted the variant to be likely deleterious. This variant creates a premature translational stop signal at the 1610th amino acid position of the wild-type transcript that may result in translation of a truncated protein or cause nonsense mediated decay of the mRNA.